The following is an entry in ClinVar:

NM_000384.3(APOB):c.4009del (p.Val1337fs)

Gene: APOB (apolipoprotein B; minus strand). Cytogenetic location: 2p24.1.
Variant type: Deletion.
Coding change: c.4009del on transcript NM_000384.3 (MANE Select); coding-DNA position 4009, one base deleted (G; older notation c.4009delG).
Protein change: p.Val1337fs; shifts the reading frame from valine 1337.
Molecular consequence: frameshift variant.
Genome position (GRCh38, 1-based): chr2:21,013,367, C deleted on the plus strand (G on the coding strand, the reverse complement: APOB is on the minus strand). VCF-style (leftmost placement, unchanged base first): chr2-21013366-AC-A. GRCh37 (hg19) VCF-style: chr2-21236238-AC-A.
Other names: short protein forms V1337fs.
Identifiers: ClinVar variation 4785552 (VCV004785552.1).

ClinVar aggregate classification (germline): Pathogenic (1 of 4 stars; one submission).

Conditions:
Familial hypobetalipoproteinemia 1. Also called: APOB-Related Familial Hypobetalipoproteinemia; Hypobetalipoproteinemia, normotriglyceridemic; Acanthocytosis with hypobetalipoproteinemia. Identifiers: MedGen C4551990, MONDO:0014252, OMIM 615558.
Hypercholesterolemia, autosomal dominant, type B (FHCL2). Also called: APOB-Related Familial Hypercholesterolemia, Autosomal Dominant; Familial hypercholesterolemia 2; Familial Hypercholesterolemia Type B; APOLIPOPROTEIN B-100, FAMILIAL DEFECTIVE; APOLIPOPROTEIN B-100, FAMILIAL LIGAND-DEFECTIVE; HYPERCHOLESTEROLEMIA, FAMILIAL, DUE TO LIGAND-DEFECTIVE APOLIPOPROTEIN B. Identifiers: MedGen C1704417, MONDO:0007751, OMIM 144010.

Submission:

Labcorp Genetics (formerly Invitae), Labcorp
Classification: Pathogenic for Familial hypobetalipoproteinemia 1; Hypercholesterolemia, autosomal dominant, type B. Last evaluated: 2025-07-13. Review status: criteria provided, single submitter. Criteria: Invitae Variant Classification Sherloc (09022015). Collection method: clinical testing. Allele origin: germline.
Comment: This sequence change creates a premature translational stop signal (p.Val1337Serfs*20) in the APOB gene. It is expected to result in an absent or disrupted protein product. Loss-of-function variants in APOB are known to be pathogenic (PMID: 20032471). This variant is not present in population databases (gnomAD no frequency). This variant has not been reported in the literature in individuals affected with APOB-related conditions. For these reasons, this variant has been classified as Pathogenic.

Literature cited by the submitters: PubMed 20032471.